The following is an entry in ClinVar:

ClinVar aggregate classification (germline): Likely benign. Review status: criteria provided, multiple submitters, no conflicts (2 of 4 stars). 2 submissions from 2 submitters: Likely benign (2). Last evaluated 2023-05-01.

Conditions:
Cardiovascular phenotype. Identifiers: MedGen CN230736.

Allele frequency attached by ClinVar (database versions not stated): gnomAD exomes below 0.00001.
gnomAD v4.1: 1 of 1,613,794 alleles (0.000062%); highest among the groups gnomAD compares: Non-Finnish European, 0.000085%; no homozygotes.

Submissions (2):

CeGaT Center for Human Genetics Tuebingen
Classification: Likely benign. Last evaluated: 2023-05-01. Review status: criteria provided, single submitter. Criteria: CeGaT Center For Human Genetics Tuebingen Variant Classification Criteria Version 2. Collection method: clinical testing. Allele origin: germline. Affected: yes. Observed: 1 variant allele.
Comment: TTN: PM2:Supporting, BP4, BP7

Ambry Genetics
Classification: Likely benign for Cardiovascular phenotype. Last evaluated: 2013-05-02. Review status: criteria provided, single submitter. Criteria: Ambry Autosomal Dominant and X-Linked criteria (10/2015). Collection method: clinical testing. Allele origin: germline. Observed: 1 variant allele.

NM_001267550.2(TTN):c.85392T>C (p.Thr28464=)

Genes: TTN (titin; minus strand), TTN-AS1 (TTN antisense RNA 1; plus strand). Cytogenetic location: 2q31.2.
Variant type: single nucleotide variant.
Coding change: c.85392T>C on transcript NM_001267550.2 (MANE Select); coding-DNA position 85392, T replaced by C.
Protein change: p.Thr28464=; no amino-acid change (threonine 28464 retained).
Molecular consequence: synonymous variant.
Genome position (GRCh38, 1-based): chr2:178,560,740, A>G on the plus strand (T>C on the coding strand, the complement: TTN is on the minus strand). VCF-style: chr2-178560740-A-G. GRCh37 (hg19) VCF-style: chr2-179425467-A-G.
Other names: c.80469T>C, p.Thr26823= (NM_001256850.1); c.58197T>C, p.Thr19399= (NM_003319.4); c.77688T>C, p.Thr25896= (NM_133378.4); c.58572T>C, p.Thr19524= (NM_133432.3); c.58773T>C, p.Thr19591= (NM_133437.4).
Identifiers: ClinVar variation 263608 (VCV000263608.30), dbSNP rs886038860, ClinGen allele CA10587463.